The following is an entry in ClinVar:

ClinVar aggregate classification (germline): Uncertain significance (1 of 4 stars; one submission).

Submission:

Ambry Genetics
Classification: Uncertain significance. Last evaluated: 2025-10-03. Review status: criteria provided, single submitter. Criteria: Ambry Variant Classification Scheme 2023. Collection method: clinical testing. Allele origin: germline.
Comment: The p.F435C variant (also known as c.1304T>G), located in coding exon 9 of the RINT1 gene, results from a T to G substitution at nucleotide position 1304. The phenylalanine at codon 435 is replaced by cysteine, an amino acid with highly dissimilar properties. This amino acid position is conserved. In addition, this alteration is predicted to be deleterious by in silico analysis. Based on the available evidence, the clinical significance of this variant remains unclear.

NM_021930.6(RINT1):c.1304T>G (p.Phe435Cys)

Gene: RINT1 (RAD50 interactor 1; plus strand). Cytogenetic location: 7q22.3.
Variant type: single nucleotide variant.
Coding change: c.1304T>G on transcript NM_021930.6 (MANE Select); coding-DNA position 1304, T replaced by G.
Protein change: p.Phe435Cys; replaces phenylalanine 435 with cysteine.
Molecular consequence: missense variant. On other transcripts: non-coding transcript variant (1).
Genome position (GRCh38, 1-based): chr7:105,550,457, T>G. VCF-style: chr7-105550457-T-G. GRCh37 (hg19) VCF-style: chr7-105190904-T-G.
Other names: c.1070T>G, p.Phe357Cys (NM_001346599.2); c.281T>G, p.Phe94Cys (NM_001346600.2, NM_001346603.2); c.380T>G, p.Phe127Cys (NM_001346601.2); short protein forms F127C, F94C, F357C, F435C.
Identifiers: ClinVar variation 4578209 (VCV004578209.1).